The following is an entry in ClinVar:

ClinVar aggregate classification (germline): Uncertain significance (1 of 4 stars; one submission).

Submission:

GeneDx
Classification: Uncertain significance. Last evaluated: 2023-02-03. Review status: criteria provided, single submitter. Criteria: GeneDx Variant Classification Process June 2021. Collection method: clinical testing. Allele origin: germline. Affected: yes.
Comment: Not observed at significant frequency in large population cohorts (gnomAD); In silico analysis supports that this missense variant has a deleterious effect on protein structure/function; Has not been previously published as pathogenic or benign to our knowledge

NM_004304.5(ALK):c.2453G>A (p.Gly818Glu)

Gene: ALK (ALK receptor tyrosine kinase; minus strand). Cytogenetic location: 2p23.2.
Variant type: single nucleotide variant.
Coding change: c.2453G>A on transcript NM_004304.5 (MANE Select); coding-DNA position 2453, G replaced by A.
Protein change: p.Gly818Glu; replaces glycine 818 with glutamic acid.
Molecular consequence: missense variant.
Genome position (GRCh38, 1-based): chr2:29,233,599, C>T on the plus strand (G>A on the coding strand, the complement: ALK is on the minus strand). VCF-style: chr2-29233599-C-T. GRCh37 (hg19) VCF-style: chr2-29456465-C-T.
Other names: short protein forms G818E.
Identifiers: ClinVar variation 2574973 (VCV002574973.1), dbSNP rs2465989693, ClinGen allele CA346472152.